The following is an entry in ClinVar:

NM_001244926.2(PRPF4):c.1366T>A (p.Phe456Ile)

Gene: PRPF4 (pre-mRNA splicing tri-snRNP complex factor PRPF4; plus strand). Cytogenetic location: 9q32.
Variant type: single nucleotide variant.
Coding change: c.1366T>A on transcript NM_001244926.2 (MANE Select); coding-DNA position 1366, T replaced by A.
Protein change: p.Phe456Ile; replaces phenylalanine 456 with isoleucine.
Molecular consequence: missense variant. On other transcripts: non-coding transcript variant (2).
Genome position (GRCh38, 1-based): chr9:113,291,010, T>A. VCF-style: chr9-113291010-T-A. GRCh37 (hg19) VCF-style: chr9-116053290-T-A.
Other names: c.640T>A, p.Phe214Ile (NM_001322266.2, NM_001322267.2); c.1369T>A, p.Phe457Ile (NM_004697.5); short protein forms F214I, F456I, F457I.
Identifiers: ClinVar variation 4797776 (VCV004797776.1).

ClinVar aggregate classification (germline): Uncertain significance (1 of 4 stars; one submission).

gnomAD v4.1: 2 of 1,612,616 alleles (0.00012%); highest among the groups gnomAD compares: Non-Finnish European, 0.00017%; no homozygotes.

Submission:

Labcorp Genetics (formerly Invitae), Labcorp
Classification: Uncertain significance. Last evaluated: 2025-10-14. Review status: criteria provided, single submitter. Criteria: Invitae Variant Classification Sherloc (09022015). Collection method: clinical testing. Allele origin: germline.
Comment: This sequence change replaces phenylalanine, which is neutral and non-polar, with isoleucine, which is neutral and non-polar, at codon 457 of the PRPF4 protein (p.Phe457Ile). This variant is not present in population databases (gnomAD no frequency). This variant has not been reported in the literature in individuals affected with PRPF4-related conditions. An algorithm developed to predict the effect of missense changes on protein structure and function (PolyPhen-2) suggests that this variant is likely to be tolerated. In summary, the available evidence is currently insufficient to determine the role of this variant in disease. Therefore, it has been classified as a Variant of Uncertain Significance.